The following is an entry in ClinVar:

NM_002485.5(NBN):c.995-1G>C

Gene: NBN (nibrin; minus strand). Cytogenetic location: 8q21.3.
Variant type: single nucleotide variant.
Coding change: c.995-1G>C on transcript NM_002485.5 (MANE Select); the canonical splice acceptor site of the intron before coding-DNA position 995, G replaced by C.
Molecular consequence: splice acceptor variant.
Genome position (GRCh38, 1-based): chr8:89,958,855, C>G on the plus strand (G>C on the coding strand, the complement: NBN is on the minus strand). VCF-style: chr8-89958855-C-G. GRCh37 (hg19) VCF-style: chr8-90971083-C-G.
Other names: c.749-1G>C (NM_001024688.3).
Identifiers: ClinVar variation 461597 (VCV000461597.7), dbSNP rs1554560523, ClinGen allele CA371656826.

ClinVar aggregate classification (germline): Likely pathogenic (1 of 4 stars; one submission).

Conditions:
Microcephaly, normal intelligence and immunodeficiency (NBS). Also called: IMMUNODEFICIENCY, MICROCEPHALY, AND CHROMOSOMAL INSTABILITY; SEEMANOVA SYNDROME II; Nijmegen breakage syndrome; Microcephaly with normal intelligence immunodeficiency and lymphoreticular malignancies; Nonsyndromal microcephaly autosomal recessive with normal intelligence; Seemanova syndrome 2. Identifiers: Orphanet 647, MedGen C0398791, MONDO:0009623, OMIM 251260.

Allele frequency attached by ClinVar (database versions not stated): gnomAD exomes below 0.00001.

Submission:

Labcorp Genetics (formerly Invitae), Labcorp
Classification: Likely pathogenic for Microcephaly, normal intelligence and immunodeficiency. Last evaluated: 2021-12-07. Review status: criteria provided, single submitter. Criteria: Invitae Variant Classification Sherloc (09022015). Collection method: clinical testing. Allele origin: germline.
Comment: This variant has not been reported in the literature in individuals affected with NBN-related conditions. ClinVar contains an entry for this variant (Variation ID: 461597). This variant is not present in population databases (gnomAD no frequency). This sequence change affects an acceptor splice site in intron 8 of the NBN gene. It is expected to disrupt RNA splicing. Variants that disrupt the donor or acceptor splice site typically lead to a loss of protein function (PMID: 16199547), and loss-of-function variants in NBN are known to be pathogenic (PMID: 9590180, 16415040). In summary, the currently available evidence indicates that the variant is pathogenic, but additional data are needed to prove that conclusively. Therefore, this variant has been classified as Likely Pathogenic. Algorithms developed to predict the effect of sequence changes on RNA splicing suggest that this variant may disrupt the consensus splice site.

Literature cited by the submitters: PubMed 16199547; PubMed 9590180; PubMed 16415040.